The following is an entry in ClinVar:

NM_003413.4(ZIC3):c.1069C>A (p.Pro357Thr)

Gene: ZIC3 (Zic family zinc finger 3; plus strand). Cytogenetic location: Xq26.3.
Variant type: single nucleotide variant.
Coding change: c.1069C>A on transcript NM_003413.4 (MANE Select); coding-DNA position 1069, C replaced by A.
Protein change: p.Pro357Thr; replaces proline 357 with threonine.
Molecular consequence: missense variant.
Genome position (GRCh38, 1-based): chrX:137,568,910, C>A. VCF-style: chrX-137568910-C-A. GRCh37 (hg19) VCF-style: chrX-136651069-C-A.
Other names: c.1069C>A, p.Pro357Thr (NM_001330661.1); short protein forms P357T.
Identifiers: ClinVar variation 464969 (VCV000464969.8), dbSNP rs1556030199, ClinGen allele CA414771361.
Genomic context (GRCh38, chrX:137,568,910, plus strand): 5'-AAACTCCGGCGCTGACCGTATTTTACCCCCCTTGGGTTTTTGCCTTTTGCAGGTGAGAAA[C>A]CTTTCAAATGTGAATTTGAAGGCTGTGACAGACGCTTTGCCAACAGCAGCGACCGTAAGA-3'
Protein context (NP_003404.1, residues 347-367): IHKRTHTGEK[Pro357Thr]FKCEFEGCDR

ClinVar aggregate classification (germline): Uncertain significance (1 of 4 stars; one submission).

Conditions:
Heterotaxy, visceral, 1, X-linked (HTX1). Also called: DEXTROCARDIA WITH OTHER CARDIAC MALFORMATIONS; SITUS INVERSUS, COMPLEX CARDIAC DEFECTS, AND SPLENIC DEFECTS, X-LINKED; Laterality, X-linked; Visceral heterotaxia. Identifiers: Orphanet 450, MedGen C1844020, MONDO:0010607, OMIM 306955.

Submission:

Labcorp Genetics (formerly Invitae), Labcorp
Classification: Uncertain significance for Heterotaxy, visceral, 1, X-linked. Last evaluated: 2017-06-22. Review status: criteria provided, single submitter. Criteria: Invitae Variant Classification Sherloc (09022015). Collection method: clinical testing. Allele origin: germline.
Comment: This sequence change replaces proline with threonine at codon 357 of the ZIC3 protein (p.Pro357Thr). The proline residue is highly conserved and there is a small physicochemical difference between proline and threonine. This variant is not present in population databases (ExAC no frequency). This variant has not been reported in the literature in individuals with ZIC3-related disease. Algorithms developed to predict the effect of missense changes on protein structure and function (SIFT, PolyPhen-2, Align-GVGD) all suggest that this variant is likely to be disruptive, but these predictions have not been confirmed by published functional studies and their clinical significance is uncertain. In summary, the available evidence is currently insufficient to determine the role of this variant in disease. Therefore, it has been classified as a Variant of Uncertain Significance.